The following is an entry in ClinVar:

NM_001271803.2(REEP2):c.86del (p.Thr29fs)

Gene: REEP2 (receptor accessory protein 2; plus strand). Cytogenetic location: 5q31.2.
Variant type: Deletion.
Coding change: c.86del on transcript NM_001271803.2 (MANE Select); coding-DNA position 86, one base deleted (C; older notation c.86delC).
Protein change: p.Thr29fs; shifts the reading frame from threonine 29.
Molecular consequence: frameshift variant. On other transcripts: non-coding transcript variant (2).
Genome position (GRCh38, 1-based): chr5:138,441,069, C deleted. VCF-style (leftmost placement, unchanged base first): chr5-138441068-AC-A. GRCh37 (hg19) VCF-style: chr5-137776757-AC-A.
Other names: c.86del, p.Thr29fs (NM_016606.4); short protein forms T29fs.
Identifiers: ClinVar variation 1387682 (VCV001387682.6), dbSNP rs2127021824, ClinGen allele CA2573139106.

ClinVar aggregate classification (germline): Uncertain significance (1 of 4 stars; one submission).

Conditions:
Hereditary spastic paraplegia 72 (SPG72A). Also called: Spastic paraplegia 72, autosomal recessive. Identifiers: Orphanet 401849, MedGen C5882669, MONDO:0014282, OMIM 615625.

Allele frequency attached by ClinVar (database versions not stated): gnomAD exomes below 0.00001.

Submission:

Labcorp Genetics (formerly Invitae), Labcorp
Classification: Uncertain significance for Hereditary spastic paraplegia 72. Last evaluated: 2021-10-17. Review status: criteria provided, single submitter. Criteria: Invitae Variant Classification Sherloc (09022015). Collection method: clinical testing. Allele origin: germline.
Comment: In summary, the available evidence is currently insufficient to determine the role of this variant in disease. Therefore, it has been classified as a Variant of Uncertain Significance. This variant has not been reported in the literature in individuals affected with REEP2-related conditions. This variant is not present in population databases (ExAC no frequency). This sequence change creates a premature translational stop signal (p.Thr29Lysfs*4) in the REEP2 gene. It is expected to result in an absent or disrupted protein product. However, the current clinical and genetic evidence is not sufficient to establish whether loss-of-function variants in REEP2 cause disease.